The following is an entry in ClinVar:

NM_004836.7(EIF2AK3):c.2847T>C (p.Asp949=)

Genes: EIF2AK3 (eukaryotic translation initiation factor 2 alpha kinase 3; minus strand), EIF2AK3-AS1 (EIF2AK3 antisense RNA 1; plus strand). Cytogenetic location: 2p11.2.
Variant type: single nucleotide variant.
Coding change: c.2847T>C on transcript NM_004836.7 (MANE Select); coding-DNA position 2847, T replaced by C.
Protein change: p.Asp949=; no amino-acid change (aspartic acid 949 retained).
Molecular consequence: synonymous variant.
Genome position (GRCh38, 1-based): chr2:88,571,012, A>G on the plus strand (T>C on the coding strand, the complement: EIF2AK3 is on the minus strand). VCF-style: chr2-88571012-A-G. GRCh37 (hg19) VCF-style: chr2-88870530-A-G.
Other names: c.2394T>C, p.Asp798= (NM_001313915.2).
Identifiers: ClinVar variation 2651109 (VCV002651109.24), dbSNP rs1454222387, ClinGen allele CA427172650.

ClinVar aggregate classification (germline): Likely benign (1 of 4 stars; one submission).

Allele frequency attached by ClinVar (database versions not stated): gnomAD exomes below 0.00001; TOPMed 0.00001.
gnomAD v4.1: 3 of 1,614,228 alleles (0.00019%); highest among the groups gnomAD compares: Non-Finnish European, 0.00017%; no homozygotes.

Submission:

CeGaT Center for Human Genetics Tuebingen
Classification: Likely benign. Last evaluated: 2023-01-01. Review status: criteria provided, single submitter. Criteria: CeGaT Center For Human Genetics Tuebingen Variant Classification Criteria Version 2. Collection method: clinical testing. Allele origin: germline. Affected: yes. Observed: 1 variant allele.
Comment: EIF2AK3: PM2:Supporting, BP4, BP7